The following is an entry in ClinVar:

NM_023036.6(DNAI2):c.657C>T (p.Leu219=)

Gene: DNAI2 (dynein axonemal intermediate chain 2; plus strand). Cytogenetic location: 17q25.1.
Variant type: single nucleotide variant.
Coding change: c.657C>T on transcript NM_023036.6 (MANE Select); coding-DNA position 657, C replaced by T.
Protein change: p.Leu219=; no amino-acid change (leucine 219 retained).
Molecular consequence: synonymous variant. On other transcripts: non-coding transcript variant (1).
Genome position (GRCh38, 1-based): chr17:74,291,066, C>T. VCF-style: chr17-74291066-C-T. GRCh37 (hg19) VCF-style: chr17-72287205-C-T.
Other names: c.657C>T, p.Leu219= (NM_001172810.3, NM_001353167.2).
Identifiers: ClinVar variation 701028 (VCV000701028.17), dbSNP rs539461253, ClinGen allele CA8745439.

ClinVar aggregate classification (germline): Likely benign. Review status: criteria provided, single submitter (1 of 4 stars). 3 submissions from 3 submitters: Likely benign (1). 2 of the submissions do not count toward it. Last evaluated 2025-06-03.

Conditions:
Primary ciliary dyskinesia. Also called: Ciliary dyskinesia. Identifiers: Orphanet 244, MedGen C0008780, MONDO:0016575, HP:0012265.
DNAI2-related disorder. Also called: DNAI2-related condition.

Allele frequency attached by ClinVar (database versions not stated): gnomAD 0.00003.
gnomAD v4.1: 98 of 1,614,218 alleles (0.0061%); highest among the groups gnomAD compares: Non-Finnish European, 0.0077%; 1 homozygote.

Submissions (3):

Labcorp Genetics (formerly Invitae), Labcorp
Classification: Likely benign for Primary ciliary dyskinesia. Last evaluated: 2025-06-03. Review status: criteria provided, single submitter. Criteria: Invitae Variant Classification Sherloc (09022015). Collection method: clinical testing. Allele origin: germline.

Natera, Inc.
Classification: Likely benign for Primary ciliary dyskinesia. Last evaluated: 2021-02-20. Review status: no assertion criteria provided. Collection method: clinical testing. Allele origin: germline. Not counted in ClinVar's aggregate classification.

PreventionGenetics, part of Exact Sciences
Classification: Likely benign for DNAI2-related condition. Last evaluated: 2019-10-28. Review status: no assertion criteria provided. Collection method: clinical testing. Allele origin: germline. Not counted in ClinVar's aggregate classification.
Comment: This variant is classified as likely benign based on ACMG/AMP sequence variant interpretation guidelines (Richards et al. 2015 PMID: 25741868, with internal and published modifications).